The following is an entry in ClinVar:

ClinVar aggregate classification (germline): Pathogenic (1 of 4 stars; one submission).

Conditions:
Marfan syndrome (MFS). Also called: Marfan syndrome type 1; Marfan's syndrome; FBN1-Related Marfan Syndrome; MARFAN SYNDROME, TYPE I; Marfan syndrome, classic. Identifiers: Orphanet 284963, Orphanet 558, MedGen C0024796, MONDO:0007947, OMIM 154700.
Familial thoracic aortic aneurysm and aortic dissection (TAAD). Also called: Thoracic aortic aneurysms and dissections. Identifiers: Orphanet 91387, MedGen C4707243, MONDO:0019625.

Submission:

Labcorp Genetics (formerly Invitae), Labcorp
Classification: Pathogenic for Marfan syndrome; Familial thoracic aortic aneurysm and aortic dissection. Last evaluated: 2021-02-03. Review status: criteria provided, single submitter. Criteria: Invitae Variant Classification Sherloc (09022015). Collection method: clinical testing. Allele origin: germline.
Comment: This variant disrupts the p.Cys2528 amino acid residue in FBN1. Other variant(s) that disrupt this residue have been observed in individuals with FBN1-related conditions (PMID: 19293843, 25646068, 27906200, 28973303), which suggests that this may be a clinically significant amino acid residue. For these reasons, this variant has been classified as Pathogenic. This variant affects a cysteine residue in the EGF-like, TGFBP or hybrid motif domains of FBN1. Cysteine residues are believed to be involved in intramolecular disulfide bridges and have been shown to be important for FBN1 protein structure (PMID: 16905551, 19349279). In addition, missense substitutions affecting cysteine residues within these domains are significantly overrepresented among patients with Marfan syndrome (PMID: 16571647, 17701892). Advanced modeling of protein sequence and biophysical properties (such as structural, functional, and spatial information, amino acid conservation, physicochemical variation, residue mobility, and thermodynamic stability) performed at Invitae indicates that this missense variant is expected to disrupt FBN1 protein function. This variant has been observed in individual(s) with clinical features of FBN1-related conditions (Invitae). This variant is not present in population databases (ExAC no frequency). This sequence change replaces cysteine with serine at codon 2528 of the FBN1 protein (p.Cys2528Ser). The cysteine residue is highly conserved and there is a moderate physicochemical difference between cysteine and serine.

Literature cited by the submitters: PubMed 19293843; PubMed 25646068; PubMed 27906200; PubMed 28973303; PubMed 16905551; PubMed 19349279; PubMed 16571647; PubMed 17701892.

NM_000138.5(FBN1):c.7583G>C (p.Cys2528Ser)

Gene: FBN1 (fibrillin 1; minus strand). Cytogenetic location: 15q21.1.
Variant type: single nucleotide variant.
Coding change: c.7583G>C on transcript NM_000138.5 (MANE Select); coding-DNA position 7583, G replaced by C.
Protein change: p.Cys2528Ser; replaces cysteine 2528 with serine.
Molecular consequence: missense variant.
Genome position (GRCh38, 1-based): chr15:48,421,674, C>G on the plus strand (G>C on the coding strand, the complement: FBN1 is on the minus strand). VCF-style: chr15-48421674-C-G. GRCh37 (hg19) VCF-style: chr15-48713871-C-G.
Other names: short protein forms C2528S.
Identifiers: ClinVar variation 1389953 (VCV001389953.8), dbSNP rs2141221984, ClinGen allele CA392325784.
Genomic context (GRCh38, chr15:48,421,674, plus strand): 5'-AAGCTTCCAGGAGTGTTCTGGCAAATGCCCTTAGACCCGCACAGATTGATGTCAGAGGTG[C>G]ATTCATTGTTATCTATGAGAAGCAGTGGGGGCAAAGAGGGGTTAAAATTCCCCAAAGCTC-3'
Protein context (NP_000129.3, residues 2518-2538): HHTSCIDNNE[Cys2528Ser]TSDINLCGSK